The following is an entry in ClinVar:

NM_001267550.2(TTN):c.79256T>C (p.Ile26419Thr)

Genes: TTN (titin; minus strand), TTN-AS1 (TTN antisense RNA 1; plus strand). Cytogenetic location: 2q31.2.
Variant type: single nucleotide variant.
Coding change: c.79256T>C on transcript NM_001267550.2 (MANE Select); coding-DNA position 79256, T replaced by C.
Protein change: p.Ile26419Thr; replaces isoleucine 26419 with threonine.
Molecular consequence: missense variant.
Genome position (GRCh38, 1-based): chr2:178,566,876, A>G on the plus strand (T>C on the coding strand, the complement: TTN is on the minus strand). VCF-style: chr2-178566876-A-G. GRCh37 (hg19) VCF-style: chr2-179431603-A-G.
Other names: c.74333T>C, p.Ile24778Thr (NM_001256850.1); c.52061T>C, p.Ile17354Thr (NM_003319.4); c.71552T>C, p.Ile23851Thr (NM_133378.4); c.52436T>C, p.Ile17479Thr (NM_133432.3); c.52637T>C, p.Ile17546Thr (NM_133437.4); short protein forms I17354T, I17479T, I17546T, I26419T, I23851T, I24778T.
Identifiers: ClinVar variation 1746068 (VCV001746068.2), dbSNP rs1047757651, ClinGen allele CA60990741.

ClinVar aggregate classification (germline): Uncertain significance (1 of 4 stars; one submission).

Conditions:
Cardiovascular phenotype. Identifiers: MedGen CN230736.

Submission:

Ambry Genetics
Classification: Uncertain significance for Cardiovascular phenotype. Last evaluated: 2020-02-12. Review status: criteria provided, single submitter. Criteria: Ambry Variant Classification Scheme 2023. Collection method: clinical testing. Allele origin: germline.
Comment: The p.I17354T variant (also known as c.52061T>C), located in coding exon 153 of the TTN gene, results from a T to C substitution at nucleotide position 52061. The isoleucine at codon 17354 is replaced by threonine, an amino acid with similar properties. This amino acid position is not well conserved in available vertebrate species. In addition, this alteration is predicted to be tolerated by in silico analysis. Since supporting evidence is limited at this time, the clinical significance of this alteration remains unclear.